The following is an entry in ClinVar:

NM_020207.7(ERCC6L2):c.1301C>T (p.Thr434Ile)

Gene: ERCC6L2 (ERCC excision repair 6 like 2; plus strand). Cytogenetic location: 9q22.32.
Variant type: single nucleotide variant.
Coding change: c.1301C>T on transcript NM_020207.7 (MANE Select); coding-DNA position 1301, C replaced by T.
Protein change: p.Thr434Ile; replaces threonine 434 with isoleucine.
Molecular consequence: missense variant. On other transcripts: non-coding transcript variant (1).
Genome position (GRCh38, 1-based): chr9:95,922,306, C>T. VCF-style: chr9-95922306-C-T. GRCh37 (hg19) VCF-style: chr9-98684588-C-T.
Other names: c.1301C>T, p.Thr434Ile (NM_001010895.4, NM_001375291.1, NM_001375292.1 and 2 more transcripts); short protein forms T434I.
Identifiers: ClinVar variation 3010258 (VCV003010258.4), dbSNP rs576853946, ClinGen allele CA5139530.

ClinVar aggregate classification (germline): Uncertain significance. Review status: criteria provided, multiple submitters, no conflicts (2 of 4 stars). 2 submissions from 2 submitters: Uncertain significance (2). Last evaluated 2024-11-25.

Conditions:
Inborn genetic diseases. Identifiers: MedGen C0950123, MeSH D030342.

Allele frequency attached by ClinVar (database versions not stated): gnomAD 0.00001; ExAC 0.00002; 1000 Genomes Project 30x 0.00016; 1000 Genomes Project 0.00020.
gnomAD v4.1: 11 of 1,580,978 alleles (0.0007%); highest among the groups gnomAD compares: South Asian, 0.0089%; no homozygotes.

Submissions (2):

Ambry Genetics
Classification: Uncertain significance for Inborn genetic diseases. Last evaluated: 2024-11-25. Review status: criteria provided, single submitter. Criteria: Ambry Variant Classification Scheme 2023. Collection method: clinical testing. Allele origin: germline.
Comment: The p.T434I variant (also known as c.1301C>T), located in coding exon 8 of the ERCC6L2 gene, results from a C to T substitution at nucleotide position 1301. The threonine at codon 434 is replaced by isoleucine, an amino acid with similar properties. This amino acid position is conserved. In addition, this alteration is predicted to be tolerated by in silico analysis. Based on the available evidence, the clinical significance of this variant remains unclear.

Labcorp Genetics (formerly Invitae), Labcorp
Classification: Uncertain significance. Last evaluated: 2023-09-18. Review status: criteria provided, single submitter. Criteria: Invitae Variant Classification Sherloc (09022015). Collection method: clinical testing. Allele origin: germline.
Comment: In summary, the available evidence is currently insufficient to determine the role of this variant in disease. Therefore, it has been classified as a Variant of Uncertain Significance. Algorithms developed to predict the effect of missense changes on protein structure and function output the following: SIFT: "Not Available"; PolyPhen-2: "Not Available"; Align-GVGD: "Not Available". The isoleucine amino acid residue is found in multiple mammalian species, which suggests that this missense change does not adversely affect protein function. This variant has not been reported in the literature in individuals affected with ERCC6L2-related conditions. This variant is present in population databases (rs576853946, gnomAD 0.02%). This sequence change replaces threonine, which is neutral and polar, with isoleucine, which is neutral and non-polar, at codon 445 of the ERCC6L2 protein (p.Thr445Ile).